The following is an entry in ClinVar:

ClinVar aggregate classification (germline): Likely benign. Review status: criteria provided, multiple submitters, no conflicts (2 of 4 stars). 3 submissions from 3 submitters: Likely benign (2). 1 of the submissions does not count toward it. Last evaluated 2024-03-17.

Conditions:
Nephronophthisis 15 (NPHP15). Identifiers: Orphanet 3156, MedGen C3541853, MONDO:0013917, OMIM 614845.
CEP164-related disorder. Also called: CEP164-related condition.

Allele frequency attached by ClinVar (database versions not stated): gnomAD 0.00001; TOPMed 0.00001; ExAC 0.00002; ESP Exome Variant Server 0.00008.
gnomAD v4.1: 22 of 1,613,984 alleles (0.0014%); highest among the groups gnomAD compares: Non-Finnish European, 0.0018%; no homozygotes.

Submissions (3):

Labcorp Genetics (formerly Invitae), Labcorp
Classification: Likely benign for Nephronophthisis 15. Last evaluated: 2024-03-17. Review status: criteria provided, single submitter. Criteria: Invitae Variant Classification Sherloc (09022015). Collection method: clinical testing. Allele origin: germline.

Fulgent Genetics
Classification: Likely benign for Nephronophthisis 15. Last evaluated: 2022-02-09. Review status: criteria provided, single submitter. Criteria: ACMG Guidelines, 2015. Collection method: clinical testing. Allele origin: unknown.

PreventionGenetics, part of Exact Sciences
Classification: Likely benign for CEP164-related condition. Last evaluated: 2021-10-30. Review status: no assertion criteria provided. Collection method: clinical testing. Allele origin: germline. Not counted in ClinVar's aggregate classification.
Comment: This variant is classified as likely benign based on ACMG/AMP sequence variant interpretation guidelines (Richards et al. 2015 PMID: 25741868, with internal and published modifications).

NM_014956.5(CEP164):c.3681C>T (p.Asp1227=)

Gene: CEP164 (centrosomal protein 164; plus strand). Cytogenetic location: 11q23.3.
Variant type: single nucleotide variant.
Coding change: c.3681C>T on transcript NM_014956.5 (MANE Select); coding-DNA position 3681, C replaced by T.
Protein change: p.Asp1227=; no amino-acid change (aspartic acid 1227 retained).
Molecular consequence: synonymous variant.
Genome position (GRCh38, 1-based): chr11:117,408,961, C>T. VCF-style: chr11-117408961-C-T. GRCh37 (hg19) VCF-style: chr11-117279677-C-T.
Other names: c.3681C>T (NM_014956.4); c.3690C>T, p.Asp1230= (NM_001271933.2).
Identifiers: ClinVar variation 1142610 (VCV001142610.12), dbSNP rs371592315, ClinGen allele CA6295532.
Genomic context (GRCh38, chr11:117,408,961, plus strand): 5'-GGGCACTCTGGGAGGATCCCCCACCAAGAAGGCAGTAACCTTCGACCTCAGTGACATGGA[C>T]AGCCTGAGCAGTGAAAGTTCTGAATCTTTTTCCCCGCCTCACCGTGAGTGGTGGCGGCAG-3'
Protein context (NP_055771.4, residues 1217-1237): KAVTFDLSDM[Asp1227=]SLSSESSESF